The following is an entry in ClinVar:

ClinVar aggregate classification (germline): Uncertain significance. Review status: criteria provided, multiple submitters, no conflicts (2 of 4 stars). 8 submissions from 8 submitters: Uncertain significance (7). 1 of the submissions does not count toward it. Last evaluated 2026-07-01.

Conditions:
Glycogen storage disease, type II (IOPD). Also called: Glycogen storage disease type 2; Acid maltase deficiency disease; Aglucosidase alfa; Deficiency of alpha-glucosidase; Deficiency of lysosomal alpha-glucosidase; Glucosidase acid-1,4-alpha deficiency. Identifiers: Orphanet 365, MedGen C0017921, MONDO:0009290, OMIM 232300.

Allele frequency attached by ClinVar (database versions not stated): gnomAD exomes 0.00001 and 0.00002; ExAC 0.00002; TOPMed 0.00003; gnomAD 0.00006 and 0.00007; 1000 Genomes Project 30x 0.00016; 1000 Genomes Project 0.00020.
gnomAD v4.1: 47 of 1,612,966 alleles (0.0029%); highest among the groups gnomAD compares: Non-Finnish European, 0.0036%; no homozygotes.

Submissions (8):

Genomenon, Inc
Classification: Uncertain significance for Glycogen storage disease, type II. Last evaluated: 2026-07-01. Review status: criteria provided, single submitter. Criteria: Genomenon Sequence Variant Interpretation Standards - Updated. Collection method: curation. Allele origin: germline. Affected: no.
Comment: GAA p.Asn140Lys (c.420C>A) is a missense variant that changes the amino acid at codon 140 from Asparagine to Lysine. This variant has been reported in the published literature (PMID:29149851). It is absent or not present at a significant frequency in gnomAD. In silico models predict that this variant is not damaging. In conclusion, we classify GAA p.Asn140Lys (c.420C>A) as a variant of uncertain significance.

GeneDx
Classification: Uncertain significance. Last evaluated: 2025-12-11. Review status: criteria provided, single submitter. Criteria: GeneDx Variant Classification Process June 2021. Collection method: clinical testing. Allele origin: germline.
Comment: Identified as heterozygous individuals with limb-girdle muscle weakness; a second variant in GAA was not described (PMID: 29149851, 39678382); Not observed at significant frequency in large population cohorts (gnomAD); In silico analysis supports that this missense variant has a deleterious effect on protein structure/function; This variant is associated with the following publications: (PMID: 19343043, 22253258, 29149851, 39678382)

Revvity Omics, Revvity
Classification: Uncertain significance. Last evaluated: 2023-08-30. Review status: criteria provided, single submitter. Criteria: ACMG Guidelines, 2015. Collection method: clinical testing. Allele origin: germline.

Labcorp Genetics (formerly Invitae), Labcorp
Classification: Uncertain significance for Glycogen storage disease, type II. Last evaluated: 2022-10-17. Review status: criteria provided, single submitter. Criteria: Invitae Variant Classification Sherloc (09022015). Collection method: clinical testing. Allele origin: germline.
Comment: This sequence change replaces asparagine, which is neutral and polar, with lysine, which is basic and polar, at codon 140 of the GAA protein (p.Asn140Lys). This variant is present in population databases (rs560661191, gnomAD 0.004%). This missense change has been observed in individual(s) with limb-girdle pattern muscle weakness (PMID: 29149851). ClinVar contains an entry for this variant (Variation ID: 845000). Advanced modeling of protein sequence and biophysical properties (such as structural, functional, and spatial information, amino acid conservation, physicochemical variation, residue mobility, and thermodynamic stability) has been performed at Invitae for this missense variant, however the output from this modeling did not meet the statistical confidence thresholds required to predict the impact of this variant on GAA protein function. In summary, the available evidence is currently insufficient to determine the role of this variant in disease. Therefore, it has been classified as a Variant of Uncertain Significance.

CeGaT Center for Human Genetics Tuebingen
Classification: Uncertain significance. Last evaluated: 2022-04-01. Review status: criteria provided, single submitter. Criteria: CeGaT Center For Human Genetics Tuebingen Variant Classification Criteria Version 2. Collection method: clinical testing. Allele origin: germline. Affected: yes. Observed: 1 variant allele.
Comment: GAA: PM2, PP4, BP4

Fulgent Genetics
Classification: Uncertain significance for Glycogen storage disease, type II. Last evaluated: 2021-08-04. Review status: criteria provided, single submitter. Criteria: ACMG Guidelines, 2015. Collection method: clinical testing. Allele origin: unknown.

Genome-Nilou Lab
Classification: Uncertain significance for Glycogen storage disease, type II. Last evaluated: 2021-07-14. Review status: criteria provided, single submitter. Criteria: ACMG Guidelines, 2015. Collection method: clinical testing. Allele origin: germline. Affected: no.

Natera, Inc.
Classification: Uncertain significance for Glycogen storage disease type II. Last evaluated: 2020-09-16. Review status: no assertion criteria provided. Collection method: clinical testing. Allele origin: germline. Not counted in ClinVar's aggregate classification.

Literature cited by the submitters: PubMed 29149851 (cited by Genomenon, Inc and Labcorp Genetics (formerly Invitae), Labcorp).

NM_000152.5(GAA):c.420C>A (p.Asn140Lys)

Gene: GAA (alpha glucosidase; plus strand). Cytogenetic location: 17q25.3.
Variant type: single nucleotide variant.
Coding change: c.420C>A on transcript NM_000152.5 (MANE Select); coding-DNA position 420, C replaced by A.
Protein change: p.Asn140Lys; replaces asparagine 140 with lysine.
Molecular consequence: missense variant.
Genome position (GRCh38, 1-based): chr17:80,105,006, C>A. VCF-style: chr17-80105006-C-A. GRCh37 (hg19) VCF-style: chr17-78078805-C-A.
Other names: c.420C>A, p.Asn140Lys (NM_001079803.3, NM_001079804.3); short protein forms N140K.
Identifiers: ClinVar variation 845000 (VCV000845000.44), dbSNP rs560661191, ClinGen allele CA8814869.